The following is an entry in ClinVar:

NM_173477.5(USH1G):c.495C>G (p.Tyr165Ter)

Gene: USH1G (USH1 protein network component sans; minus strand). Cytogenetic location: 17q25.1.
Variant type: single nucleotide variant.
Coding change: c.495C>G on transcript NM_173477.5 (MANE Select); coding-DNA position 495, C replaced by G.
Protein change: p.Tyr165Ter; replaces tyrosine 165 with a stop codon.
Molecular consequence: nonsense.
Genome position (GRCh38, 1-based): chr17:74,920,341, G>C on the plus strand (C>G on the coding strand, the complement: USH1G is on the minus strand). VCF-style: chr17-74920341-G-C. GRCh37 (hg19) VCF-style: chr17-72916436-G-C.
Other names: c.186C>G, p.Tyr62Ter (NM_001282489.3); short protein forms Y165*, Y62*.
Identifiers: ClinVar variation 3601026 (VCV003601026.1).

ClinVar aggregate classification (germline): Pathogenic (1 of 4 stars; one submission).

Conditions:
Usher syndrome type 1G. Also called: USHER SYNDROME, TYPE IG, MILD. Identifiers: Orphanet 231169, Orphanet 886, MedGen C1847089, MONDO:0011748, OMIM 606943.

Submission:

Institute of Rare Diseases, West China Hospital, Sichuan University
Classification: Pathogenic for Usher syndrome type 1G. Last evaluated: 2025-01-09. Review status: criteria provided, single submitter. Criteria: ClinGen HL ACMG Specifications v1. Collection method: research. Allele origin: germline. Affected: yes.
Comment: PVS1;PM3;PM2_Supporting